The following is an entry in ClinVar:

NM_006415.4(SPTLC1):c.1304A>G (p.Glu435Gly)

Gene: SPTLC1 (serine palmitoyltransferase long chain base subunit 1; minus strand). Cytogenetic location: 9q22.31.
Variant type: single nucleotide variant.
Coding change: c.1304A>G on transcript NM_006415.4 (MANE Select); coding-DNA position 1304, A replaced by G.
Protein change: p.Glu435Gly; replaces glutamic acid 435 with glycine.
Molecular consequence: missense variant.
Genome position (GRCh38, 1-based): chr9:92,034,834, T>C on the plus strand (A>G on the coding strand, the complement: SPTLC1 is on the minus strand). VCF-style: chr9-92034834-T-C. GRCh37 (hg19) VCF-style: chr9-94797116-T-C.
Other names: p.Glu435Gly; c.1304A>G, p.Glu435Gly (NM_001281303.2); c.938A>G, p.Glu313Gly (NM_001368272.1); c.839A>G, p.Glu280Gly (NM_001368273.1); short protein forms E313G, E280G, E435G.
Identifiers: ClinVar variation 4541454 (VCV004541454.1).

ClinVar aggregate classification (germline): Uncertain significance (1 of 4 stars; one submission).

gnomAD v4.1: 1 of 1,614,086 alleles (0.000062%); highest among the groups gnomAD compares: Non-Finnish European, 0.000085%; no homozygotes.

Submission:

Mayo Clinic Laboratories, Mayo Clinic
Classification: Uncertain significance. Last evaluated: 2025-09-05. Review status: criteria provided, single submitter. Criteria: ACMG Guidelines, 2015. Collection method: clinical testing. Allele origin: germline. Observed: 1 variant allele.
Comment: PP3, PM2_supporting